The following is an entry in ClinVar:

NM_001130438.3(SPTAN1):c.2701G>A (p.Glu901Lys)

Gene: SPTAN1 (spectrin alpha, non-erythrocytic 1; plus strand). Cytogenetic location: 9q34.11.
Variant type: single nucleotide variant.
Coding change: c.2701G>A on transcript NM_001130438.3 (MANE Select); coding-DNA position 2701, G replaced by A.
Protein change: p.Glu901Lys; replaces glutamic acid 901 with lysine.
Molecular consequence: missense variant.
Genome position (GRCh38, 1-based): chr9:128,585,888, G>A. VCF-style: chr9-128585888-G-A. GRCh37 (hg19) VCF-style: chr9-131348167-G-A.
Other names: c.2701G>A (NM_001130438.2); c.2701G>A, p.Glu901Lys (NM_001195532.2, NM_001363759.2, NM_001363765.2 and 5 more transcripts); c.2737G>A, p.Glu913Lys (NM_001375312.2, NM_001375318.1); short protein forms E901K, E913K.
Identifiers: ClinVar variation 810434 (VCV000810434.43), dbSNP rs1305659962, ClinGen allele CA375058352.

ClinVar aggregate classification (germline): Conflicting classifications of pathogenicity. Review status: criteria provided, conflicting classifications (1 of 4 stars). 2 submissions from 2 submitters: Likely pathogenic (1); Uncertain significance (1). Last evaluated 2026-04-14.

Submissions (2):

GeneDx
Classification: Uncertain significance. Last evaluated: 2026-04-14. Review status: criteria provided, single submitter. Criteria: GeneDx Variant Classification Process June 2021. Collection method: clinical testing. Allele origin: germline.
Comment: Not observed at significant frequency in large population cohorts (gnomAD); In silico analysis supports that this missense variant has a deleterious effect on protein structure/function; Reported in a proband from a large cohort of patients with epileptic encephalopathy; variant was inherited from a parent but clinical status of the parent was not reported (PMID: 29186148); This variant is associated with the following publications: (PMID: 29186148)

CeGaT Center for Human Genetics Tuebingen
Classification: Likely pathogenic. Last evaluated: 2024-04-01. Review status: criteria provided, single submitter. Criteria: CeGaT Center For Human Genetics Tuebingen Variant Classification Criteria Version 2. Collection method: clinical testing. Allele origin: germline. Affected: yes. Observed: 4 variant alleles.
Comment: SPTAN1: PS2, PM2